The following is an entry in ClinVar:

NM_015015.3(KDM4B):c.1254C>G (p.Pro418=)

Gene: KDM4B (lysine demethylase 4B; plus strand). Cytogenetic location: 19p13.3.
Variant type: single nucleotide variant.
Coding change: c.1254C>G on transcript NM_015015.3 (MANE Select); coding-DNA position 1254, C replaced by G.
Protein change: p.Pro418=; no amino-acid change (proline 418 retained).
Molecular consequence: synonymous variant.
Genome position (GRCh38, 1-based): chr19:5,119,791, C>G. VCF-style: chr19-5119791-C-G. GRCh37 (hg19) VCF-style: chr19-5119802-C-G.
Other names: c.1356C>G, p.Pro452= (NM_001411148.1).
Identifiers: ClinVar variation 4821541 (VCV004821541.4).

ClinVar aggregate classification (germline): Likely benign (1 of 4 stars; one submission).

gnomAD v4.1: 214 of 1,542,414 alleles (0.014%); highest among the groups gnomAD compares: African/African-American, 0.28%; no homozygotes.

Submission:

CeGaT Center for Human Genetics Tuebingen
Classification: Likely benign. Last evaluated: 2026-01-01. Review status: criteria provided, single submitter. Criteria: CeGaT Center For Human Genetics Tuebingen Variant Classification Criteria Version 2. Collection method: clinical testing. Allele origin: germline. Affected: yes. Observed: 1 variant allele.
Comment: KDM4B: BP4, BP7